The following is an entry in ClinVar:

ClinVar aggregate classification (germline): Benign (1 of 4 stars; one submission).

Allele frequency attached by ClinVar (database versions not stated): 1000 Genomes Project 30x 0.10775; 1000 Genomes Project 0.10883; TOPMed 0.13167; gnomAD 0.13496 and 0.13532.
gnomAD v4.1: 20,521 of 152,196 alleles (13%); highest among the groups gnomAD compares: Middle Eastern, 19%; 1,524 homozygotes.

Submission:

GeneDx
Classification: Benign. Last evaluated: 2018-06-14. Review status: criteria provided, single submitter. Criteria: GeneDx Variant Classification (06012015). Collection method: clinical testing. Allele origin: germline. Affected: yes.
Comment: This variant is considered likely benign or benign based on one or more of the following criteria: it is a conservative change, it occurs at a poorly conserved position in the protein, it is predicted to be benign by multiple in silico algorithms, and/or has population frequency not consistent with disease.

NM_001854.4(COL11A1):c.3168+277G>A

Gene: COL11A1 (collagen type XI alpha 1 chain; minus strand). Cytogenetic location: 1p21.1.
Variant type: single nucleotide variant.
Coding change: c.3168+277G>A on transcript NM_001854.4 (MANE Select); 277 bases into the intron after coding-DNA position 3168, G replaced by A.
Molecular consequence: intron variant.
Genome position (GRCh38, 1-based): chr1:102,961,589, C>T on the plus strand (G>A on the coding strand, the complement: COL11A1 is on the minus strand). VCF-style: chr1-102961589-C-T. GRCh37 (hg19) VCF-style: chr1-103427145-C-T.
Other names: c.3051+277G>A (NM_001190709.2); c.3204+277G>A (NM_080629.3); c.2820+277G>A (NM_080630.4).
Identifiers: ClinVar variation 681284 (VCV000681284.1), dbSNP rs1012283, ClinGen allele CA10812307.
Genomic context (GRCh38, chr1:102,961,589, plus strand): 5'-TGAAGTAAAAATTTCAAACTACAGCCTCTCCAGGCATTCCGTGACTATGAGCTTCTATTA[C>T]TCATAATGAGGATTTATTTCCTTGGGAACCGTAAGAAGCAAGATATCTCCTTTTACCTCC-3'